The following is an entry in ClinVar:

NM_015340.4(LARS2):c.1622+8G>A

Genes: LARS2-AS1 (LARS2 antisense RNA 1; minus strand), LARS2 (leucyl-tRNA synthetase 2, mitochondrial; plus strand). Cytogenetic location: 3p21.31.
Variant type: single nucleotide variant.
Coding change: c.1622+8G>A on transcript NM_015340.4 (MANE Select); 8 bases into the intron after coding-DNA position 1622, G replaced by A.
Molecular consequence: intron variant.
Genome position (GRCh38, 1-based): chr3:45,496,381, G>A. VCF-style: chr3-45496381-G-A. GRCh37 (hg19) VCF-style: chr3-45537873-G-A.
Other names: p.?; c.1622+8G>A (NM_001368263.1).
Identifiers: ClinVar variation 387637 (VCV000387637.47), dbSNP rs202009605, ClinGen allele CA2349646.

ClinVar aggregate classification (germline): Benign/Likely benign. Review status: criteria provided, multiple submitters, no conflicts (2 of 4 stars). 9 submissions from 9 submitters: Benign (2); Likely benign (7). Last evaluated 2025-12-29.

Allele frequency attached by ClinVar (database versions not stated): gnomAD 0.00030 and 0.00032; 1000 Genomes Project 30x 0.00031; gnomAD exomes 0.00036 and 0.00047; TOPMed 0.00037; ESP Exome Variant Server 0.00038; 1000 Genomes Project 0.00040; ExAC 0.00040.
gnomAD v4.1: 602 of 1,599,054 alleles (0.038%); highest among the groups gnomAD compares: Middle Eastern, 0.86%; 3 homozygotes.

Submissions (9):

Labcorp Genetics (formerly Invitae), Labcorp
Classification: Benign. Last evaluated: 2025-12-29. Review status: criteria provided, single submitter. Criteria: Invitae Variant Classification Sherloc (09022015). Collection method: clinical testing. Allele origin: germline.

CeGaT Center for Human Genetics Tuebingen
Classification: Likely benign. Last evaluated: 2025-06-01. Review status: criteria provided, single submitter. Criteria: CeGaT Center For Human Genetics Tuebingen Variant Classification Criteria Version 2. Collection method: clinical testing. Allele origin: germline. Affected: yes. Observed: 4 variant alleles.
Comment: LARS2: BP4

Mayo Clinic Laboratories, Mayo Clinic
Classification: Likely benign. Last evaluated: 2025-02-11. Review status: criteria provided, single submitter. Criteria: ACMG Guidelines, 2015. Collection method: clinical testing. Allele origin: germline. Observed: 1 variant allele.
Comment: BS1, BP4, BP7

Blueprint Genetics
Classification: Likely benign. Last evaluated: 2024-11-22. Review status: criteria provided, single submitter. Criteria: ACMG Guidelines, 2015. Collection method: clinical testing. Allele origin: germline.

ARUP Laboratories, Molecular Genetics and Genomics, ARUP Laboratories
Classification: Likely benign. Last evaluated: 2019-11-25. Review status: criteria provided, single submitter. Criteria: ARUP Molecular Germline Variant Investigation Process. Collection method: clinical testing. Allele origin: germline.

Athena Diagnostics
Classification: Benign. Last evaluated: 2019-02-22. Review status: criteria provided, single submitter. Criteria: Athena Diagnostics Criteria. Collection method: clinical testing. Allele origin: germline.

GeneDx
Classification: Likely benign. Last evaluated: 2018-03-08. Review status: criteria provided, single submitter. Criteria: GeneDx Variant Classification (06012015). Collection method: clinical testing. Allele origin: germline. Affected: yes.
Comment: This variant is considered likely benign or benign based on one or more of the following criteria: it is a conservative change, it occurs at a poorly conserved position in the protein, it is predicted to be benign by multiple in silico algorithms, and/or has population frequency not consistent with disease.

Laboratory for Molecular Medicine, Mass General Brigham Personalized Medicine
Classification: Likely benign. Last evaluated: 2016-10-18. Review status: criteria provided, single submitter. Criteria: LMM Criteria. Collection method: clinical testing. Allele origin: germline. Observed: 1 variant allele.
Comment: c.1622+8G>A in intron 14 of LARS2: This variant is not expected to have clinical significance because it is not located within the conserved splice consensus se quence. It has been identified in 31/66680 European chromosomes by the Exome Agg regation Consortium (ExAC; dbSNP rs202009605).

Breakthrough Genomics
Classification: Likely benign. Review status: criteria provided, single submitter. Criteria: ACMG Guidelines, 2015. Collection method: not provided. Allele origin: germline. Inheritance: Autosomal recessive inheritance. Affected: yes.